The following is an entry in ClinVar:

ClinVar aggregate classification (germline): Uncertain significance (1 of 4 stars; one submission).

Conditions:
Anauxetic dysplasia. Identifiers: Orphanet 93347, MedGen C1846796, MONDO:0011773.

gnomAD v4.1: 2 of 696,822 alleles (0.00029%); highest among the groups gnomAD compares: South Asian, 0.0015%; no homozygotes.

Submission:

Labcorp Genetics (formerly Invitae), Labcorp
Classification: Uncertain significance for Anauxetic dysplasia. Last evaluated: 2025-02-15. Review status: criteria provided, single submitter. Criteria: Invitae Variant Classification Sherloc (09022015). Collection method: clinical testing. Allele origin: germline.
Comment: This variant occurs in the RMRP gene, which encodes an RNA molecule that does not result in a protein product. This variant is not present in population databases (gnomAD no frequency). This variant has not been reported in the literature in individuals affected with RMRP-related conditions. Experimental studies and prediction algorithms are not available or were not evaluated, and the functional significance of this variant is currently unknown. In summary, the available evidence is currently insufficient to determine the role of this variant in disease. Therefore, it has been classified as a Variant of Uncertain Significance.

NR_003051.4(RMRP):n.128C>A

Gene: RMRP (RNA component of mitochondrial RNA processing endoribonuclease; minus strand). Cytogenetic location: 9p13.3.
Variant type: single nucleotide variant.
Molecular consequence: non-coding transcript variant (on NR_003051.4).
Genome position: GRCh38 VCF-style: chr9-35657892-G-T. GRCh37 (hg19) VCF-style: chr9-35657889-G-T.
Identifiers: ClinVar variation 4702361 (VCV004702361.1).